The following is an entry in ClinVar:

NM_001377295.2(GNAT2):c.461+6A>G

Gene: GNAT2 (G protein subunit alpha transducin 2; minus strand). Cytogenetic location: 1p13.3.
Variant type: single nucleotide variant.
Coding change: c.461+6A>G on transcript NM_001377295.2 (MANE Select); 6 bases into the intron after coding-DNA position 461, A replaced by G.
Molecular consequence: intron variant.
Genome position (GRCh38, 1-based): chr1:109,608,625, T>C on the plus strand (A>G on the coding strand, the complement: GNAT2 is on the minus strand). VCF-style: chr1-109608625-T-C. GRCh37 (hg19) VCF-style: chr1-110151247-T-C.
Other names: c.461+6A>G (NM_001379232.1, NM_005272.5).
Identifiers: ClinVar variation 2010240 (VCV002010240.4), dbSNP rs2524344148, ClinGen allele CA2580060792.

ClinVar aggregate classification (germline): Uncertain significance (1 of 4 stars; one submission).

Submission:

Labcorp Genetics (formerly Invitae), Labcorp
Classification: Uncertain significance. Last evaluated: 2022-06-24. Review status: criteria provided, single submitter. Criteria: Invitae Variant Classification Sherloc (09022015). Collection method: clinical testing. Allele origin: germline.
Comment: This sequence change falls in intron 4 of the GNAT2 gene. It does not directly change the encoded amino acid sequence of the GNAT2 protein. It affects a nucleotide within the consensus splice site. This variant is not present in population databases (gnomAD no frequency). Variants that disrupt the consensus splice site are a relatively common cause of aberrant splicing (PMID: 17576681, 9536098). Algorithms developed to predict the effect of sequence changes on RNA splicing suggest that this variant is not likely to affect RNA splicing. This variant has not been reported in the literature in individuals affected with GNAT2-related conditions. In summary, the available evidence is currently insufficient to determine the role of this variant in disease. Therefore, it has been classified as a Variant of Uncertain Significance.

Literature cited by the submitters: PubMed 17576681; PubMed 9536098.